The following is an entry in ClinVar:

ClinVar aggregate classification (germline): Uncertain significance. Review status: criteria provided, multiple submitters, no conflicts (2 of 4 stars). 2 submissions from 2 submitters: Uncertain significance (2). Last evaluated 2021-10-28.

Conditions:
Nemaline myopathy 2 (NEM2). Also called: Nemaline myopathy 2, autosomal recessive. Identifiers: MedGen C1850569, MONDO:0009725, OMIM 256030.

Allele frequency attached by ClinVar (database versions not stated): TOPMed below 0.00001; gnomAD 0.00001; gnomAD exomes 0.00001.
gnomAD v4.1: 11 of 1,608,000 alleles (0.00068%); highest among the groups gnomAD compares: Non-Finnish European, 0.00085%; no homozygotes.

Submissions (2):

Labcorp Genetics (formerly Invitae), Labcorp
Classification: Uncertain significance for Nemaline myopathy 2. Last evaluated: 2021-10-28. Review status: criteria provided, single submitter. Criteria: Invitae Variant Classification Sherloc (09022015). Collection method: clinical testing. Allele origin: germline.
Comment: This sequence change replaces tyrosine, which is neutral and polar, with serine, which is neutral and polar, at codon 1092 of the NEB protein (p.Tyr1092Ser). This variant is present in population databases (rs771687432, gnomAD 0.002%). This variant has not been reported in the literature in individuals affected with NEB-related conditions. Algorithms developed to predict the effect of missense changes on protein structure and function are either unavailable or do not agree on the potential impact of this missense change (SIFT: "Deleterious"; PolyPhen-2: "Not Available"; Align-GVGD: "Class C0"). In summary, the available evidence is currently insufficient to determine the role of this variant in disease. Therefore, it has been classified as a Variant of Uncertain Significance.

Revvity Omics, Revvity
Classification: Uncertain significance. Last evaluated: 2021-10-15. Review status: criteria provided, single submitter. Criteria: ACMG Guidelines, 2015. Collection method: clinical testing. Allele origin: germline.

NM_001164508.2(NEB):c.3275A>C (p.Tyr1092Ser)

Gene: NEB (nebulin; minus strand). Cytogenetic location: 2q23.3.
Variant type: single nucleotide variant.
Coding change: c.3275A>C on transcript NM_001164508.2 (MANE Select); coding-DNA position 3275, A replaced by C.
Protein change: p.Tyr1092Ser; replaces tyrosine 1092 with serine.
Molecular consequence: missense variant.
Genome position (GRCh38, 1-based): chr2:151,678,168, T>G on the plus strand (A>C on the coding strand, the complement: NEB is on the minus strand). VCF-style: chr2-151678168-T-G. GRCh37 (hg19) VCF-style: chr2-152534682-T-G.
Other names: c.3275A>C, p.Tyr1092Ser (NM_001164507.2, NM_001271208.2, NM_004543.5); short protein forms Y1092S.
Identifiers: ClinVar variation 1472073 (VCV001472073.7), dbSNP rs771687432, ClinGen allele CA57658109.